The following is an entry in ClinVar:

NM_000535.7(PMS2):c.832dup (p.His278fs)

Gene: PMS2 (PMS1 homolog 2, mismatch repair system component; minus strand). Cytogenetic location: 7p22.1.
Variant type: Duplication.
Coding change: c.832dup on transcript NM_000535.7 (MANE Select); coding-DNA position 832, one base duplicated (C; older notation c.832dupC).
Protein change: p.His278fs; shifts the reading frame from histidine 278.
Molecular consequence: frameshift variant. On other transcripts: 5 prime UTR variant (2), non-coding transcript variant (1), intron variant (4).
Genome position (GRCh38, 1-based): chr7:5,995,605, G duplicated on the plus strand (C on the coding strand, the reverse complement: PMS2 is on the minus strand). VCF-style (leftmost placement, unchanged base first): chr7-5995604-T-TG. GRCh37 (hg19) VCF-style: chr7-6035235-T-TG.
Other names: c.427dup, p.His143fs (NM_001322003.2, NM_001322004.2, NM_001322005.2 and 19 more transcripts); c.832dup, p.His278fs (NM_001322006.2, NM_001322014.2, NM_001406870.1 and 2 more transcripts); c.514dup, p.His172fs (NM_001322007.2, NM_001322008.2, NM_001406876.1 and 4 more transcripts); c.-102dup (NM_001322011.2, NM_001322012.2); c.259dup, p.His87fs (NM_001322013.2, NM_001406909.1); c.523dup, p.His175fs (NM_001322015.2, NM_001406875.1, NM_001406877.1 and 6 more transcripts); c.1018dup, p.His340fs (NM_001406866.1); c.856dup, p.His286fs (NM_001406868.1); and 8 more; short protein forms H107fs, H143fs, H166fs, H172fs, H175fs, H222fs, H242fs, H278fs.
Identifiers: ClinVar variation 3366934 (VCV003366934.2).

ClinVar aggregate classification (germline): Likely pathogenic. Review status: criteria provided, multiple submitters, no conflicts (2 of 4 stars). 2 submissions from 2 submitters: Likely pathogenic (2). Last evaluated 2023-03-08.

Conditions:
PMS2-related disorder. Also called: PMS2-related condition.
Lynch syndrome 4 (LYNCH4). Also called: Colorectal cancer, hereditary nonpolyposis, type 4; Hereditary non-polyposis colorectal cancer, type 4. Identifiers: Orphanet 144, MedGen C1838333, MONDO:0013699, OMIM 614337. Disease mechanism: loss of function.

Submissions (2):

Institute of Immunology and Genetics Kaiserslautern
Classification: Likely pathogenic for Lynch syndrome 4. Last evaluated: 2023-03-08. Review status: criteria provided, single submitter. Criteria: ACMG Guidelines, 2015. Collection method: clinical testing. Allele origin: germline.
Comment: ACMG Criteria: PVS1, PM2; Variant was found in heterozygous state.

Blueprint Genetics
Classification: Likely pathogenic for PMS2-related disorders. Last evaluated: 2022-12-16. Review status: criteria provided, single submitter. Criteria: ACMG Guidelines, 2015. Collection method: clinical testing. Allele origin: germline. Affected: yes. Observed: 2 variant alleles.